The following is an entry in ClinVar:

ClinVar aggregate classification (germline): Conflicting classifications of pathogenicity. Review status: criteria provided, conflicting classifications (1 of 4 stars). 3 submissions from 3 submitters: Uncertain significance (1); Likely benign (2). Last evaluated 2026-08-30.

Conditions:
TTN-related disorder. Also called: TTN-related condition; TTN-related disease; TTN-related disorders.
Primary dilated cardiomyopathy (DCM). Also called: Dilated Cardiomyopathy. Identifiers: Orphanet 217604, MedGen C0007193, MeSH D002311, MONDO:0005021, HP:0001644. Inheritance: Various modes of inheritance.

Allele frequency attached by ClinVar (database versions not stated): TOPMed 0.00002; gnomAD exomes 0.00003 and 0.00004; ExAC 0.00005; gnomAD 0.00001 and 0.00002.
gnomAD v4.1: 45 of 1,612,154 alleles (0.0028%); highest among the groups gnomAD compares: South Asian, 0.021%; no homozygotes.

Submissions (3):

PreventionGenetics, part of Exact Sciences
Classification: Uncertain significance for TTN-related condition. Last evaluated: 2026-08-30. Review status: criteria provided, single submitter. Criteria: ACMG Guidelines, 2015. Collection method: clinical testing. Allele origin: germline.
Comment: The TTN c.41282G>A variant is predicted to result in the amino acid substitution p.Arg13761His. To our knowledge, this variant has not been reported in the literature. This variant is reported in 0.013% of alleles in individuals of South Asian descent in gnomAD. At this time, the clinical significance of this variant is uncertain due to the absence of conclusive functional and genetic evidence.

Blueprint Genetics
Classification: Likely benign. Last evaluated: 2023-05-11. Review status: criteria provided, single submitter. Criteria: ACMG Guidelines, 2015. Collection method: clinical testing. Allele origin: germline.

Genetics and Genomics Program, Sidra Medicine
Classification: Likely benign for Primary dilated cardiomyopathy. Review status: criteria provided, single submitter. Criteria: ACMG Guidelines, 2015. Collection method: research. Allele origin: unknown. Affected: yes. Observed: 1 variant allele.

NM_001267550.2(TTN):c.41282G>A (p.Arg13761His)

Gene: TTN (titin; minus strand). Cytogenetic location: 2q31.2.
Variant type: single nucleotide variant.
Coding change: c.41282G>A on transcript NM_001267550.2 (MANE Select); coding-DNA position 41282, G replaced by A.
Protein change: p.Arg13761His; replaces arginine 13761 with histidine.
Molecular consequence: missense variant.
Genome position (GRCh38, 1-based): chr2:178,636,445, C>T on the plus strand (G>A on the coding strand, the complement: TTN is on the minus strand). VCF-style: chr2-178636445-C-T. GRCh37 (hg19) VCF-style: chr2-179501172-C-T.
Other names: c.36359G>A, p.Arg12120His (NM_001256850.1); c.14087G>A, p.Arg4696His (NM_003319.4); c.33578G>A, p.Arg11193His (NM_133378.4); c.14462G>A, p.Arg4821His (NM_133432.3); c.14663G>A, p.Arg4888His (NM_133437.4); short protein forms R11193H, R12120H, R13761H, R4696H, R4821H, R4888H.
Identifiers: ClinVar variation 978769 (VCV000978769.3), dbSNP rs781139091, ClinGen allele CA1996295.